The following is an entry in ClinVar:

NM_003590.5(CUL3):c.67-11915T>C

Gene: CUL3 (cullin 3; minus strand). Cytogenetic location: 2q36.2.
Variant type: single nucleotide variant.
Coding change: c.67-11915T>C on transcript NM_003590.5 (MANE Select); 11915 bases into the intron before coding-DNA position 67, T replaced by C.
Molecular consequence: intron variant. On other transcripts: missense variant (1), initiator codon variant (1).
Genome position (GRCh38, 1-based): chr2:224,569,771, A>G on the plus strand (T>C on the coding strand, the complement: CUL3 is on the minus strand). VCF-style: chr2-224569771-A-G. GRCh37 (hg19) VCF-style: chr2-225434488-A-G.
Other names: c.2T>C, p.Met1Thr (NM_001257198.2); c.66+15173T>C (NM_001257197.2); short protein forms M1T.
Identifiers: ClinVar variation 2632468 (VCV002632468.1), dbSNP rs1024746147, ClinGen allele CA66581920.

ClinVar aggregate classification (germline): Uncertain significance (1 of 4 stars; one submission).

Conditions:
CUL3-related disorder. Also called: CUL3-related condition; CUL3-related disorders.

Allele frequency attached by ClinVar (database versions not stated): gnomAD exomes below 0.00001; gnomAD 0.00002; TOPMed 0.00002.
gnomAD v4.1: 6 of 1,191,386 alleles (0.0005%); highest among the groups gnomAD compares: Admixed American, 0.011%; no homozygotes.

Submission:

PreventionGenetics, part of Exact Sciences
Classification: Uncertain significance for CUL3-related condition. Last evaluated: 2023-06-20. Review status: criteria provided, single submitter. Criteria: ACMG Guidelines, 2015. Collection method: clinical testing. Allele origin: germline.
Comment: The CUL3 c.2T>C variant is predicted to disrupt the translation initiation site (p.Met1?). To our knowledge, this variant has not been reported in the literature or in a large population database, indicating this variant is rare. At this time, the clinical significance of this variant is uncertain due to the absence of conclusive functional and genetic evidence.